The following is an entry in ClinVar:

ClinVar aggregate classification (germline): Uncertain significance. Review status: criteria provided, multiple submitters, no conflicts (2 of 4 stars). 2 submissions from 2 submitters: Uncertain significance (2). Last evaluated 2025-05-27.

Submissions (2):

Labcorp Genetics (formerly Invitae), Labcorp
Classification: Uncertain significance. Last evaluated: 2025-05-27. Review status: criteria provided, single submitter. Criteria: Invitae Variant Classification Sherloc (09022015). Collection method: clinical testing. Allele origin: germline.
Comment: This sequence change replaces cysteine, which is neutral and slightly polar, with arginine, which is basic and polar, at codon 481 of the GCM2 protein (p.Cys481Arg). This variant is not present in population databases (gnomAD no frequency). This variant has not been reported in the literature in individuals affected with GCM2-related conditions. ClinVar contains an entry for this variant (Variation ID: 3895562). An algorithm developed to predict the effect of missense changes on protein structure and function (PolyPhen-2) suggests that this variant is likely to be disruptive. In summary, the available evidence is currently insufficient to determine the role of this variant in disease. Therefore, it has been classified as a Variant of Uncertain Significance.

Women's Health and Genetics/Laboratory Corporation of America, LabCorp
Classification: Uncertain significance. Last evaluated: 2025-03-18. Review status: criteria provided, single submitter. Criteria: LabCorp Variant Classification Summary - May 2015. Collection method: clinical testing. Allele origin: germline.
Comment: Variant summary: GCM2 c.1441T>C (p.Cys481Arg) results in a non-conservative amino acid change in the encoded protein sequence. Four of five in-silico tools predict a damaging effect of the variant on protein function. The variant was absent in 251428 control chromosomes. The available data on variant occurrences in the general population are insufficient to allow any conclusion about variant significance. To our knowledge, no occurrence of c.1441T>C in individuals affected with Familial Hypoparathyroidism and no experimental evidence demonstrating its impact on protein function have been reported. No submitters have cited clinical-significance assessments for this variant to ClinVar. Based on the evidence outlined above, the variant was classified as uncertain significance.

NM_004752.4(GCM2):c.1441T>C (p.Cys481Arg)

Gene: GCM2 (glial cells missing transcription factor 2; minus strand). Cytogenetic location: 6p24.2.
Variant type: single nucleotide variant.
Coding change: c.1441T>C on transcript NM_004752.4 (MANE Select); coding-DNA position 1441, T replaced by C.
Protein change: p.Cys481Arg; replaces cysteine 481 with arginine.
Molecular consequence: missense variant.
Genome position (GRCh38, 1-based): chr6:10,874,075, A>G on the plus strand (T>C on the coding strand, the complement: GCM2 is on the minus strand). VCF-style: chr6-10874075-A-G. GRCh37 (hg19) VCF-style: chr6-10874308-A-G.
Other names: short protein forms C481R.
Identifiers: ClinVar variation 3895562 (VCV003895562.2).